The following is an entry in ClinVar:

NM_018706.7(DHTKD1):c.1695C>T (p.Asp565=)

Gene: DHTKD1 (dehydrogenase E1 and transketolase domain containing 1; plus strand). Cytogenetic location: 10p14.
Variant type: single nucleotide variant.
Coding change: c.1695C>T on transcript NM_018706.7 (MANE Select); coding-DNA position 1695, C replaced by T.
Protein change: p.Asp565=; no amino-acid change (aspartic acid 565 retained).
Molecular consequence: synonymous variant.
Genome position (GRCh38, 1-based): chr10:12,100,201, C>T. VCF-style: chr10-12100201-C-T. GRCh37 (hg19) VCF-style: chr10-12142200-C-T.
Other names: c.1695C>T (NM_018706.6).
Identifiers: ClinVar variation 1659409 (VCV001659409.11), dbSNP rs141111299, ClinGen allele CA5407930.

ClinVar aggregate classification (germline): Benign/Likely benign. Review status: criteria provided, multiple submitters, no conflicts (2 of 4 stars). 3 submissions from 3 submitters: Benign (1); Likely benign (1). 1 of the submissions does not count toward it. Last evaluated 2026-02-16.

Conditions:
DHTKD1-related disorder. Also called: DHTKD1-related condition.
2-aminoadipic 2-oxoadipic aciduria (AAKAD). Also called: Aminoadipic aciduria; ALPHA-AMINOADIPIC AND ALPHA-KETOADIPIC ACIDURIA. Identifiers: Orphanet 79154, MedGen C1859817, MONDO:0008774, OMIM 204750.

Allele frequency attached by ClinVar (database versions not stated): TOPMed 0.00021; ExAC 0.00023; gnomAD 0.00009 and 0.00021; gnomAD exomes 0.00023; 1000 Genomes Project 0.00160; 1000 Genomes Project 30x 0.00187.
gnomAD v4.1: 276 of 1,594,374 alleles (0.017%); highest among the groups gnomAD compares: East Asian, 0.49%; 1 homozygote.

Submissions (3):

Women's Health and Genetics/Laboratory Corporation of America, LabCorp
Classification: Likely benign. Last evaluated: 2026-02-16. Review status: criteria provided, single submitter. Criteria: LabCorp Variant Classification Summary - May 2015. Collection method: clinical testing. Allele origin: germline.

Labcorp Genetics (formerly Invitae), Labcorp
Classification: Benign for 2-aminoadipic 2-oxoadipic aciduria. Last evaluated: 2026-01-18. Review status: criteria provided, single submitter. Criteria: Invitae Variant Classification Sherloc (09022015). Collection method: clinical testing. Allele origin: germline.

PreventionGenetics, part of Exact Sciences
Classification: Likely benign for DHTKD1-related condition. Last evaluated: 2019-09-13. Review status: no assertion criteria provided. Collection method: clinical testing. Allele origin: germline. Not counted in ClinVar's aggregate classification.
Comment: This variant is classified as likely benign based on ACMG/AMP sequence variant interpretation guidelines (Richards et al. 2015 PMID: 25741868, with internal and published modifications).